The following is an entry in ClinVar:

ClinVar aggregate classification (germline): Likely benign (1 of 4 stars; one submission).

Submission:

CeGaT Center for Human Genetics Tuebingen
Classification: Likely benign. Last evaluated: 2026-06-01. Review status: criteria provided, single submitter. Criteria: CeGaT Center For Human Genetics Tuebingen Variant Classification Criteria Version 2. Collection method: clinical testing. Allele origin: germline. Affected: yes. Observed: 1 variant allele.
Comment: COL9A1: PM2:Supporting, BP4, BP7

NM_001851.6(COL9A1):c.2427C>T (p.Phe809=)

Gene: COL9A1 (collagen type IX alpha 1 chain; minus strand). Cytogenetic location: 6q13.
Variant type: single nucleotide variant.
Coding change: c.2427C>T on transcript NM_001851.6 (MANE Select); coding-DNA position 2427, C replaced by T.
Protein change: p.Phe809=; no amino-acid change (phenylalanine 809 retained).
Molecular consequence: synonymous variant. On other transcripts: non-coding transcript variant (1).
Genome position (GRCh38, 1-based): chr6:70,232,659, G>A on the plus strand (C>T on the coding strand, the complement: COL9A1 is on the minus strand). VCF-style: chr6-70232659-G-A. GRCh37 (hg19) VCF-style: chr6-70942362-G-A.
Other names: c.1728C>T, p.Phe576= (NM_001377289.1); c.1551C>T, p.Phe517= (NM_001377290.1); c.1698C>T, p.Phe566= (NM_078485.4).
Identifiers: ClinVar variation 4875062 (VCV004875062.2).